The following is an entry in ClinVar:

ClinVar aggregate classification (germline): Benign/Likely benign. Review status: criteria provided, multiple submitters, no conflicts (2 of 4 stars). 2 submissions from 2 submitters: Benign (1); Likely benign (1). Last evaluated 2018-12-23.

Conditions:
Microphthalmia, syndromic 9. Also called: ANOPHTHALMIA, CLINICAL, WITH MILD FACIAL DYSMORPHISM AND VARIABLE MALFORMATIONS OF THE LUNG, HEART, AND DIAPHRAGM; ANOPHTHALMIA/MICROPHTHALMIA AND PULMONARY HYPOPLASIA; Matthew-Wood syndrome; PULMONARY AGENESIS, MICROPHTHALMIA, AND DIAPHRAGMATIC DEFECT; SPEAR SYNDROME. Identifiers: Orphanet 2470, MedGen C1832661, MONDO:0011010, OMIM 601186.

Allele frequency attached by ClinVar (database versions not stated): gnomAD 0.01016; 1000 Genomes Project 0.01118; 1000 Genomes Project 30x 0.01156; TOPMed 0.01156.
gnomAD v4.1: 3,154 of 1,568,718 alleles (0.2%); highest among the groups gnomAD compares: African/African-American, 3.8%; 65 homozygotes.

Submissions (2):

GeneDx
Classification: Likely benign. Last evaluated: 2018-12-23. Review status: criteria provided, single submitter. Criteria: GeneDx Variant Classification Process June 2021. Collection method: clinical testing. Allele origin: germline. Affected: yes.

Illumina Laboratory Services, Illumina
Classification: Benign for Microphthalmia, syndromic 9. Last evaluated: 2018-01-12. Review status: criteria provided, single submitter. Criteria: ICSL Variant Classification Criteria 13 December 2019. Collection method: clinical testing. Allele origin: germline.
Comment: This variant was observed in the ICSL laboratory as part of a predisposition screen in an ostensibly healthy population. It had not been previously curated by ICSL or reported in the Human Gene Mutation Database (HGMD: prior to June 1st, 2018), and was therefore a candidate for classification through an automated scoring system. Utilizing variant allele frequency, disease prevalence and penetrance estimates, and inheritance mode, an automated score was calculated to assess if this variant is too frequent to cause the disease. Based on the score and internal cut-off values, a variant classified as benign is not then subjected to further curation. The score for this variant resulted in a classification of benign for this disease.

NM_022369.4(STRA6):c.*75C>A

Gene: STRA6 (signaling receptor and transporter of retinol STRA6; minus strand). Cytogenetic location: 15q24.1.
Variant type: single nucleotide variant.
Coding change: c.*75C>A on transcript NM_022369.4 (MANE Select); 75 bases downstream of the stop codon, C replaced by A.
Molecular consequence: 3 prime UTR variant.
Genome position (GRCh38, 1-based): chr15:74,180,005, G>T on the plus strand (C>A on the coding strand, the complement: STRA6 is on the minus strand). VCF-style: chr15-74180005-G-T. GRCh37 (hg19) VCF-style: chr15-74472346-G-T.
Other names: c.*75C>A (NM_001142617.2, NM_001142618.2, NM_001142619.2 and 3 more transcripts).
Identifiers: ClinVar variation 317091 (VCV000317091.7), dbSNP rs182529524, ClinGen allele CA10636551.